The following is an entry in ClinVar:

ClinVar aggregate classification (germline): Uncertain significance (1 of 4 stars; one submission).

gnomAD v4.1: 1 of 1,614,174 alleles (0.000062%); highest among the groups gnomAD compares: African/African-American, 0.0013%; no homozygotes.

Submission:

CeGaT Center for Human Genetics Tuebingen
Classification: Uncertain significance. Last evaluated: 2024-08-01. Review status: criteria provided, single submitter. Criteria: CeGaT Center For Human Genetics Tuebingen Variant Classification Criteria Version 2. Collection method: clinical testing. Allele origin: germline. Affected: yes. Observed: 1 variant allele.
Comment: ARID1A: PM2, BP4

NM_006015.6(ARID1A):c.2877A>T (p.Ala959=)

Gene: ARID1A (AT-rich interaction domain 1A; plus strand). Cytogenetic location: 1p36.11.
Variant type: single nucleotide variant.
Coding change: c.2877A>T on transcript NM_006015.6 (MANE Select); coding-DNA position 2877, A replaced by T.
Protein change: p.Ala959=; no amino-acid change (alanine 959 retained).
Molecular consequence: synonymous variant.
Genome position (GRCh38, 1-based): chr1:26,766,365, A>T. VCF-style: chr1-26766365-A-T. GRCh37 (hg19) VCF-style: chr1-27092856-A-T.
Other names: c.2877A>T, p.Ala959= (NM_139135.4).
Identifiers: ClinVar variation 3342189 (VCV003342189.16).